The following is an entry in ClinVar:

ClinVar aggregate classification (germline): Uncertain significance (1 of 4 stars; one submission).

Submission:

CeGaT Center for Human Genetics Tuebingen
Classification: Uncertain significance. Last evaluated: 2024-10-01. Review status: criteria provided, single submitter. Criteria: CeGaT Center For Human Genetics Tuebingen Variant Classification Criteria Version 2. Collection method: clinical testing. Allele origin: germline. Affected: yes. Observed: 1 variant allele.
Comment: PKD2: PM2

NM_000297.4(PKD2):c.2417C>T (p.Pro806Leu)

Gene: PKD2 (polycystin 2, transient receptor potential cation channel; plus strand). Cytogenetic location: 4q22.1.
Variant type: single nucleotide variant.
Coding change: c.2417C>T on transcript NM_000297.4 (MANE Select); coding-DNA position 2417, C replaced by T.
Protein change: p.Pro806Leu; replaces proline 806 with leucine.
Molecular consequence: missense variant. On other transcripts: non-coding transcript variant (1).
Genome position (GRCh38, 1-based): chr4:88,067,956, C>T. VCF-style: chr4-88067956-C-T. GRCh37 (hg19) VCF-style: chr4-88989108-C-T.
Other names: short protein forms P806L.
Identifiers: ClinVar variation 3389137 (VCV003389137.14).